The following is an entry in ClinVar:

ClinVar aggregate classification (germline): Conflicting classifications of pathogenicity. Review status: criteria provided, conflicting classifications (1 of 4 stars). 4 submissions from 3 submitters: Uncertain significance (3); Likely benign (1). Last evaluated 2023-04-29.

Conditions:
Autosomal dominant cerebellar ataxia. Also called: Spinocerebellar Ataxia, Dominant. Identifiers: Orphanet 99, MedGen C4087347, MONDO:0020380.
Charcot-Marie-Tooth disease axonal type 2O. Also called: Charcot-Marie-Tooth Neuropathy Type 2O; CHARCOT-MARIE-TOOTH NEUROPATHY, AXONAL, TYPE 2O; CHARCOT-MARIE-TOOTH DISEASE, AXONAL, AUTOSOMAL DOMINANT, TYPE 2O; Charcot-Marie-Tooth disease, axonal, type 20. Identifiers: Orphanet 284232, MedGen C3280220, MONDO:0013644, OMIM 614228.

Allele frequency attached by ClinVar (database versions not stated): gnomAD exomes below 0.00001 and 0.00001.
gnomAD v4.1: 15 of 1,614,198 alleles (0.00093%); highest among the groups gnomAD compares: Non-Finnish European, 0.0012%; no homozygotes.

Submissions (4):

Labcorp Genetics (formerly Invitae), Labcorp
Classification: Likely benign for Charcot-Marie-Tooth disease axonal type 2O. Last evaluated: 2023-04-29. Review status: criteria provided, single submitter. Criteria: Invitae Variant Classification Sherloc (09022015). Collection method: clinical testing. Allele origin: germline.

Illumina Laboratory Services, Illumina
Classification: Uncertain significance for Spinocerebellar Ataxia, Dominant. Last evaluated: 2018-01-12. Review status: criteria provided, single submitter. Criteria: ICSL Variant Classification Criteria 13 December 2019. Collection method: clinical testing. Allele origin: germline.

Illumina Laboratory Services, Illumina
Classification: Uncertain significance for Charcot-Marie-Tooth disease axonal type 2O. Last evaluated: 2018-01-12. Review status: criteria provided, single submitter. Criteria: ICSL Variant Classification Criteria 13 December 2019. Collection method: clinical testing. Allele origin: germline.

GeneDx
Classification: Uncertain significance. Last evaluated: 2015-05-21. Review status: criteria provided, single submitter. Criteria: GeneDx Variant Classification (06012015). Collection method: clinical testing. Allele origin: germline. Affected: yes.
Comment: The L1808I variant has not been published as a pathogenic variant, nor has it been reported as a benign polymorphism to our knowledge. It was not observed in approximately 6,500 individuals of European and African American ancestry in the NHLBI Exome Sequencing Project, indicating it is not a common benign variant in these populations. The L1808I variant is a conservative amino acid substitution, which is not likely to impact secondary protein structure as these residues share similar properties. However, this substitution occurs at a position that is conserved across species. In silico analysis is inconsistent in its predictions as to whether or not the variant is damaging to the protein structure/function. Therefore, based on the currently available information, it is unclear whether this variant is a pathogenic or a rare benign variant.

NM_001376.5(DYNC1H1):c.5422C>A (p.Leu1808Ile)

Gene: DYNC1H1 (dynein cytoplasmic 1 heavy chain 1; plus strand). Cytogenetic location: 14q32.31.
Variant type: single nucleotide variant.
Coding change: c.5422C>A on transcript NM_001376.5 (MANE Select); coding-DNA position 5422, C replaced by A.
Protein change: p.Leu1808Ile; replaces leucine 1808 with isoleucine.
Molecular consequence: missense variant.
Genome position (GRCh38, 1-based): chr14:102,005,225, C>A. VCF-style: chr14-102005225-C-A. GRCh37 (hg19) VCF-style: chr14-102471562-C-A.
Other names: short protein forms L1808I.
Identifiers: ClinVar variation 245763 (VCV000245763.10), dbSNP rs879253937, ClinGen allele CA10584464.
Genomic context (GRCh38, chr14:102,005,225, plus strand): 5'-ACCCTCAATGTGTTAGCAGACTCTGTCCTCATGGAGCAGCCCCCACTCCGAAGGCGGAAG[C>A]TAGAACACTTGGTTAGTCTCACACCTGACTCCTTCCTTACCAGTTAGACTCTTACACCCT-3'
Protein context (NP_001367.2, residues 1798-1818): MEQPPLRRRK[Leu1808Ile]EHLITELVHQ